The following is an entry in ClinVar:

ClinVar aggregate classification (germline): Uncertain significance. Review status: criteria provided, multiple submitters, no conflicts (2 of 4 stars). 2 submissions from 2 submitters: Uncertain significance (2). Last evaluated 2025-09-10.

Conditions:
Tumor predisposition syndrome 3 (TPDS3). Also called: Glioma susceptibility 9; LONG TELOMERE SYNDROME, POT1-RELATED; POT1 Tumor Predisposition; Melanoma, cutaneous malignant, susceptibility to, 10. Identifiers: Orphanet 618, MedGen C4014476, MONDO:0014368, OMIM 615848.
Hereditary cancer-predisposing syndrome. Also called: Neoplastic Syndromes, Hereditary; Hereditary Cancer Syndrome; Hereditary neoplastic syndrome; Tumor predisposition. Identifiers: Orphanet 140162, MedGen C0027672, MeSH D009386, MONDO:0015356.

gnomAD v4.1: 2 of 1,614,058 alleles (0.00012%); highest among the groups gnomAD compares: Non-Finnish European, 0.00017%; no homozygotes.

Submissions (2):

Ambry Genetics
Classification: Uncertain significance for Hereditary cancer-predisposing syndrome. Last evaluated: 2025-09-10. Review status: criteria provided, single submitter. Criteria: Ambry Variant Classification Scheme 2023. Collection method: clinical testing. Allele origin: germline.
Comment: The p.E484K variant (also known as c.1450G>A), located in coding exon 11 of the POT1 gene, results from a G to A substitution at nucleotide position 1450. The glutamic acid at codon 484 is replaced by lysine, an amino acid with similar properties. This amino acid position is well conserved in available vertebrate species. In addition, this alteration is predicted to be tolerated by in silico analysis. Since supporting evidence is limited at this time, the clinical significance of this alteration remains unclear.

Labcorp Genetics (formerly Invitae), Labcorp
Classification: Uncertain significance for Tumor predisposition syndrome 3. Last evaluated: 2025-08-29. Review status: criteria provided, single submitter. Criteria: Invitae Variant Classification Sherloc (09022015). Collection method: clinical testing. Allele origin: germline.
Comment: This sequence change replaces glutamic acid, which is acidic and polar, with lysine, which is basic and polar, at codon 484 of the POT1 protein (p.Glu484Lys). This variant is present in population databases (rs756511762, gnomAD 0.0009%). This variant has not been reported in the literature in individuals affected with POT1-related conditions. ClinVar contains an entry for this variant (Variation ID: 1027294). Invitae Evidence Modeling of protein sequence and biophysical properties (such as structural, functional, and spatial information, amino acid conservation, physicochemical variation, residue mobility, and thermodynamic stability) indicates that this missense variant is not expected to disrupt POT1 protein function with a negative predictive value of 80%. In summary, the available evidence is currently insufficient to determine the role of this variant in disease. Therefore, it has been classified as a Variant of Uncertain Significance.

NM_015450.3(POT1):c.1450G>A (p.Glu484Lys)

Gene: POT1 (protection of telomeres 1; minus strand). Cytogenetic location: 7q31.33.
Variant type: single nucleotide variant.
Coding change: c.1450G>A on transcript NM_015450.3 (MANE Select); coding-DNA position 1450, G replaced by A.
Protein change: p.Glu484Lys; replaces glutamic acid 484 with lysine.
Molecular consequence: missense variant. On other transcripts: non-coding transcript variant (3).
Genome position (GRCh38, 1-based): chr7:124,835,334, C>T on the plus strand (G>A on the coding strand, the complement: POT1 is on the minus strand). VCF-style: chr7-124835334-C-T. GRCh37 (hg19) VCF-style: chr7-124475388-C-T.
Other names: c.1057G>A, p.Glu353Lys (NM_001042594.2); short protein forms E353K, E484K.
Identifiers: ClinVar variation 1027294 (VCV001027294.13), dbSNP rs756511762, ClinGen allele CA4465117.